The following is an entry in ClinVar:

ClinVar aggregate classification (germline): Uncertain significance (1 of 4 stars; one submission).

Conditions:
Familial adenomatous polyposis 1 (FAP1). Also called: FAMILIAL ADENOMATOUS POLYPOSIS 1, ATTENUATED; POLYPOSIS, ADENOMATOUS INTESTINAL. Identifiers: MedGen C2713442, MONDO:0021056, OMIM 175100. Disease mechanism: loss of function.

Submission:

Labcorp Genetics (formerly Invitae), Labcorp
Classification: Uncertain significance for Familial adenomatous polyposis 1. Last evaluated: 2025-09-30. Review status: criteria provided, single submitter. Criteria: Invitae Variant Classification Sherloc (09022015). Collection method: clinical testing. Allele origin: germline.
Comment: This sequence change replaces lysine, which is basic and polar, with methionine, which is neutral and non-polar, at codon 1468 of the APC protein (p.Lys1468Met). This variant is not present in population databases (gnomAD no frequency). This variant has not been reported in the literature in individuals affected with APC-related conditions. Invitae Evidence Modeling of protein sequence and biophysical properties (such as structural, functional, and spatial information, amino acid conservation, physicochemical variation, residue mobility, and thermodynamic stability) indicates that this missense variant is not expected to disrupt APC protein function with a negative predictive value of 95%. In summary, the available evidence is currently insufficient to determine the role of this variant in disease. Therefore, it has been classified as a Variant of Uncertain Significance.

NM_000038.6(APC):c.4403A>T (p.Lys1468Met)

Gene: APC (APC regulator of Wnt signaling pathway; plus strand). Cytogenetic location: 5q22.2.
Variant type: single nucleotide variant.
Coding change: c.4403A>T on transcript NM_000038.6 (MANE Select); coding-DNA position 4403, A replaced by T.
Protein change: p.Lys1468Met; replaces lysine 1468 with methionine.
Molecular consequence: missense variant. On other transcripts: non-coding transcript variant (2).
Genome position (GRCh38, 1-based): chr5:112,839,997, A>T. VCF-style: chr5-112839997-A-T. GRCh37 (hg19) VCF-style: chr5-112175694-A-T.
Other names: c.4403A>T, p.Lys1468Met (NM_001407450.1, NM_001127510.3, NM_001354895.2); c.4382A>T, p.Lys1461Met (NM_001407451.1); c.4373A>T, p.Lys1458Met (NM_001407452.1); c.4226A>T, p.Lys1409Met (NM_001407453.1, NM_001354901.2); c.4154A>T, p.Lys1385Met (NM_001407454.1, NM_001407455.1, NM_001407456.1 and 1 more transcripts); c.4100A>T, p.Lys1367Met (NM_001407460.1, NM_001407458.1, NM_001407459.1 and 1 more transcripts); c.4349A>T, p.Lys1450Met (NM_001127511.3); c.4457A>T, p.Lys1486Met (NM_001354896.2, NM_001407447.1, NM_001407448.1 and 1 more transcripts); and 11 more; short protein forms K1084M, K1185M, K1308M, K1339M, K1342M, K1367M, K1377M, K1385M.
Identifiers: ClinVar variation 4801484 (VCV004801484.1).